The following is an entry in ClinVar:

ClinVar aggregate classification (germline): Uncertain significance (1 of 4 stars; one submission).

Conditions:
Cardiovascular phenotype. Identifiers: MedGen CN230736.
Hereditary cancer-predisposing syndrome. Also called: Hereditary Cancer Syndrome; Hereditary neoplastic syndrome; Neoplastic Syndromes, Hereditary; Tumor predisposition. Identifiers: Orphanet 140162, MedGen C0027672, MeSH D009386, MONDO:0015356.

Submission:

Ambry Genetics
Classification: Uncertain significance for Cardiovascular phenotype; Hereditary cancer-predisposing syndrome. Last evaluated: 2026-09-04. Review status: criteria provided, single submitter. Criteria: Ambry Variant Classification Scheme 2023. Collection method: clinical testing. Allele origin: germline.
Comment: The p.L439R variant (also known as c.1316T>G), located in coding exon 12 of the NF1 gene, results from a T to G substitution at nucleotide position 1316. The leucine at codon 439 is replaced by arginine, an amino acid with dissimilar properties. This variant was reported in individual(s) with features consistent with Neurofibromatosis type 1 (Ambry internal data). This amino acid position is highly conserved in available vertebrate species. In addition, this alteration is predicted to be deleterious by in silico analysis. Based on the available evidence, the clinical significance of this variant remains unclear.

NM_001042492.3(NF1):c.1316T>G (p.Leu439Arg)

Gene: NF1 (neurofibromin 1; plus strand). Cytogenetic location: 17q11.2.
Variant type: single nucleotide variant.
Coding change: c.1316T>G on transcript NM_001042492.3 (MANE Select); coding-DNA position 1316, T replaced by G.
Protein change: p.Leu439Arg; replaces leucine 439 with arginine.
Molecular consequence: missense variant.
Genome position (GRCh38, 1-based): chr17:31,206,295, T>G. VCF-style: chr17-31206295-T-G. GRCh37 (hg19) VCF-style: chr17-29533313-T-G.
Other names: c.1316T>G, p.Leu439Arg (NM_001128147.3, NM_000267.4); short protein forms L439R.
Identifiers: ClinVar variation 1769796 (VCV001769796.3), dbSNP rs2143914353, ClinGen allele CA398999415.
Genomic context (GRCh38, chr17:31,206,295, plus strand): 5'-TCTAGTCCGCATTGGATTGGTGGCCTAAGATTGATGCTGTGTATTGTCACTCGGTTGAAC[T>G]TCGAAATATGTTTGGTGAAACACTTCATAAAGCAGTGCAAGGTTGTGGAGCACACCCAGC-3'
Protein context (NP_001035957.1, residues 429-449): IDAVYCHSVE[Leu439Arg]RNMFGETLHK